The following is an entry in ClinVar:

NM_173076.3(ABCA12):c.790C>T (p.Gln264Ter)

Gene: ABCA12 (ATP binding cassette subfamily A member 12; minus strand). Cytogenetic location: 2q35.
Variant type: single nucleotide variant.
Coding change: c.790C>T on transcript NM_173076.3 (MANE Select); coding-DNA position 790, C replaced by T.
Protein change: p.Gln264Ter; replaces glutamine 264 with a stop codon.
Molecular consequence: nonsense. On other transcripts: non-coding transcript variant (1).
Genome position (GRCh38, 1-based): chr2:215,045,919, G>A on the plus strand (C>T on the coding strand, the complement: ABCA12 is on the minus strand). VCF-style: chr2-215045919-G-A. GRCh37 (hg19) VCF-style: chr2-215910643-G-A.
Other names: short protein forms Q264*.
Identifiers: ClinVar variation 3377720 (VCV003377720.1).

ClinVar aggregate classification (germline): Likely pathogenic (1 of 4 stars; one submission).

Conditions:
Autosomal recessive congenital ichthyosis 4A (LI2). Also called: ICHTHYOSIS CONGENITA IIB. Identifiers: Orphanet 313, MedGen C1832550, MONDO:0011026, OMIM 601277.

gnomAD v4.1: 1 of 1,613,668 alleles (0.000062%); highest among the groups gnomAD compares: Non-Finnish European, 0.000085%; no homozygotes.

Submission:

Neuberg Centre For Genomic Medicine, NCGM
Classification: Likely pathogenic for Autosomal recessive congenital ichthyosis 4A. Review status: criteria provided, single submitter. Criteria: ACMG Guidelines, 2015. Collection method: clinical testing. Allele origin: germline. Inheritance: Autosomal recessive inheritance. Affected: yes.
Comment: The stop gained variant c.790C>T (p.Gln264Ter) in the ABCA12 gene has not been reported previously as a pathogenic variant nor as a benign variant, to our knowledge. The variant is absent in gnomAD Exomes. This variant is predicted to cause loss of normal protein function through protein truncation. Loss of function variants has been previously reported to be disease-causing (Montalván-Suárez et al., 2019). For these reasons, this variant has been classified as Likely Pathogenic.